The following is an entry in ClinVar:

ClinVar aggregate classification (germline): Uncertain significance (1 of 4 stars; one submission).

Submission:

Labcorp Genetics (formerly Invitae), Labcorp
Classification: Uncertain significance. Last evaluated: 2022-08-09. Review status: criteria provided, single submitter. Criteria: Invitae Variant Classification Sherloc (09022015). Collection method: clinical testing. Allele origin: germline.
Comment: This variant is not present in population databases (gnomAD no frequency). In summary, the available evidence is currently insufficient to determine the role of this variant in disease. Therefore, it has been classified as a Variant of Uncertain Significance. Algorithms developed to predict the effect of missense changes on protein structure and function are either unavailable or do not agree on the potential impact of this missense change (SIFT: "Not Available"; PolyPhen-2: "Benign"; Align-GVGD: "Not Available"). ClinVar contains an entry for this variant (Variation ID: 1379093). This variant has not been reported in the literature in individuals affected with SAMD9L-related conditions. This sequence change replaces glutamic acid with glycine at codon 133 of the SAMD9L protein (p.Glu133Gly). The glutamic acid residue is moderately conserved and there is a moderate physicochemical difference between glutamic acid and glycine.

NM_152703.5(SAMD9L):c.398A>G (p.Glu133Gly)

Gene: SAMD9L (sterile alpha motif domain containing 9 like; minus strand). Cytogenetic location: 7q21.2.
Variant type: single nucleotide variant.
Coding change: c.398A>G on transcript NM_152703.5 (MANE Select); coding-DNA position 398, A replaced by G.
Protein change: p.Glu133Gly; replaces glutamic acid 133 with glycine.
Molecular consequence: missense variant.
Genome position (GRCh38, 1-based): chr7:93,135,574, T>C on the plus strand (A>G on the coding strand, the complement: SAMD9L is on the minus strand). VCF-style: chr7-93135574-T-C. GRCh37 (hg19) VCF-style: chr7-92764887-T-C.
Other names: c.398A>G, p.Glu133Gly (NM_001303496.3, NM_001303497.3, NM_001303498.3 and 5 more transcripts); short protein forms E133G.
Identifiers: ClinVar variation 1379093 (VCV001379093.6), dbSNP rs2116505618, ClinGen allele CA368203498.